The following is an entry in ClinVar:

ClinVar aggregate classification (germline): Likely benign. Review status: criteria provided, multiple submitters, no conflicts (2 of 4 stars). 4 submissions from 4 submitters: Likely benign (4). Last evaluated 2026-01-26.

Conditions:
ILDR1-related disorder. Also called: ILDR1-related condition.

Allele frequency attached by ClinVar (database versions not stated): gnomAD 0.00012 and 0.00020; TOPMed 0.00015; gnomAD exomes 0.00035; ExAC 0.00036; 1000 Genomes Project 0.00080; 1000 Genomes Project 30x 0.00094.
gnomAD v4.1: 342 of 1,610,884 alleles (0.021%); highest among the groups gnomAD compares: South Asian, 0.19%; 3 homozygotes.

Submissions (4):

PreventionGenetics, part of Exact Sciences
Classification: Likely benign for ILDR1-related condition. Last evaluated: 2026-01-26. Review status: criteria provided, single submitter. Criteria: ACMG Guidelines, 2015. Collection method: clinical testing. Allele origin: germline.
Comment: This variant is classified as likely benign based on ACMG/AMP sequence variant interpretation guidelines (Richards et al. 2015 PMID: 25741868, with internal and published modifications).

Labcorp Genetics (formerly Invitae), Labcorp
Classification: Likely benign. Last evaluated: 2025-10-01. Review status: criteria provided, single submitter. Criteria: Invitae Variant Classification Sherloc (09022015). Collection method: clinical testing. Allele origin: germline.

Blueprint Genetics
Classification: Likely benign. Last evaluated: 2024-11-21. Review status: criteria provided, single submitter. Criteria: ACMG Guidelines, 2015. Collection method: clinical testing. Allele origin: germline.

Laboratory for Molecular Medicine, Mass General Brigham Personalized Medicine
Classification: Likely benign. Last evaluated: 2015-07-14. Review status: criteria provided, single submitter. Criteria: LMM Criteria. Collection method: clinical testing. Allele origin: germline. Observed: 1 variant allele.
Comment: p.Gly460Arg in exon 7 of ILDR1: This variant is not expected to have clinical si gnificance because the glycine (Gly) residue at position 460 is not conserved th rough species, with >10 mammals having an arginine (Arg) at this position. It ha s been identified in 0.2% (28/16256) of South Asian chromosomes by the Exome Agg regation Consortium (ExAC; dbSNP rs559855953).

NM_001199799.2(ILDR1):c.1378G>A (p.Gly460Arg)

Gene: ILDR1 (immunoglobulin like domain containing receptor 1; minus strand). Cytogenetic location: 3q13.33.
Variant type: single nucleotide variant.
Coding change: c.1378G>A on transcript NM_001199799.2 (MANE Select); coding-DNA position 1378, G replaced by A.
Protein change: p.Gly460Arg; replaces glycine 460 with arginine.
Molecular consequence: missense variant.
Genome position (GRCh38, 1-based): chr3:121,993,371, C>T on the plus strand (G>A on the coding strand, the complement: ILDR1 is on the minus strand). VCF-style: chr3-121993371-C-T. GRCh37 (hg19) VCF-style: chr3-121712218-C-T.
Other names: c.1111G>A, p.Gly371Arg (NM_001199800.2); c.1246G>A, p.Gly416Arg (NM_175924.4); short protein forms G460R, G371R, G416R.
Identifiers: ClinVar variation 227439 (VCV000227439.14), dbSNP rs559855953, ClinGen allele CA2568695.